The following is an entry in ClinVar:

ClinVar aggregate classification (germline): Likely benign. Review status: criteria provided, multiple submitters, no conflicts (2 of 4 stars). 2 submissions from 2 submitters: Likely benign (2). Last evaluated 2025-12-13.

Conditions:
KCNK4-related disorder. Also called: KCNK4-related condition.

Allele frequency attached by ClinVar (database versions not stated): gnomAD exomes 0.00004; ExAC 0.00005; gnomAD 0.00005; TOPMed 0.00006.
gnomAD v4.1: 66 of 1,542,524 alleles (0.0043%); highest among the groups gnomAD compares: Admixed American, 0.013%; no homozygotes.

Submissions (2):

Labcorp Genetics (formerly Invitae), Labcorp
Classification: Likely benign. Last evaluated: 2025-12-13. Review status: criteria provided, single submitter. Criteria: Invitae Variant Classification Sherloc (09022015). Collection method: clinical testing. Allele origin: germline.

PreventionGenetics, part of Exact Sciences
Classification: Likely benign for KCNK4-related condition. Last evaluated: 2024-12-12. Review status: criteria provided, single submitter. Criteria: ACMG Guidelines, 2015. Collection method: clinical testing. Allele origin: germline.
Comment: This variant is classified as likely benign based on ACMG/AMP sequence variant interpretation guidelines (Richards et al. 2015 PMID: 25741868, with internal and published modifications).

NM_033310.3(KCNK4):c.802-6G>A

Genes: KCNK4 (potassium two pore domain channel subfamily K member 4; plus strand), KCNK4-CATSPERZ (KCNK4-CATSPERZ readthrough (NMD candidate); plus strand). Cytogenetic location: 11q13.1.
Variant type: single nucleotide variant.
Coding change: c.802-6G>A on transcript NM_033310.3 (MANE Select); 6 bases into the intron before coding-DNA position 802, G replaced by A.
Molecular consequence: intron variant.
Genome position (GRCh38, 1-based): chr11:64,299,340, G>A. VCF-style: chr11-64299340-G-A. GRCh37 (hg19) VCF-style: chr11-64066812-G-A.
Other names: c.802-6G>A (NM_001317090.2, NM_033310.2).
Identifiers: ClinVar variation 1655902 (VCV001655902.9), dbSNP rs772483824, ClinGen allele CA6073189.
Genomic context (GRCh38, chr11:64,299,340, plus strand): 5'-GGTTCCCGGGGGGTCGCGGAGGGGGTCTAGACCTCTAGTCGAGGGCTGCTTTCCCTCTCC[G>A]TGCAGATGGGCGGCCTCACGGCTCAGGCTGCCAGCTGGACTGGCACGGTGACAGCGCGCG-3'